The following is an entry in ClinVar:

NM_052955.3(TGM7):c.1752G>A (p.Val584=)

Gene: TGM7 (transglutaminase 7; minus strand). Cytogenetic location: 15q15.2.
Variant type: single nucleotide variant.
Coding change: c.1752G>A on transcript NM_052955.3 (MANE Select); coding-DNA position 1752, G replaced by A.
Protein change: p.Val584=; no amino-acid change (valine 584 retained).
Molecular consequence: synonymous variant.
Genome position (GRCh38, 1-based): chr15:43,279,204, C>T on the plus strand (G>A on the coding strand, the complement: TGM7 is on the minus strand). VCF-style: chr15-43279204-C-T. GRCh37 (hg19) VCF-style: chr15-43571402-C-T.
Identifiers: ClinVar variation 2645270 (VCV002645270.24), dbSNP rs138098998, ClinGen allele CA7521631.

ClinVar aggregate classification (germline): Likely benign (1 of 4 stars; one submission).

Allele frequency attached by ClinVar (database versions not stated): gnomAD exomes 0.00021; ExAC 0.00082; gnomAD 0.00216; TOPMed 0.00243; 1000 Genomes Project 0.00260; ESP Exome Variant Server 0.00277; 1000 Genomes Project 30x 0.00281.
gnomAD v4.1: 639 of 1,614,170 alleles (0.04%); highest among the groups gnomAD compares: African/African-American, 0.76%; 2 homozygotes.

Submission:

CeGaT Center for Human Genetics Tuebingen
Classification: Likely benign. Last evaluated: 2022-04-01. Review status: criteria provided, single submitter. Criteria: CeGaT Center For Human Genetics Tuebingen Variant Classification Criteria Version 2. Collection method: clinical testing. Allele origin: germline. Affected: yes. Observed: 1 variant allele.
Comment: TGM7: BP4, BP7